The following is an entry in ClinVar:

NM_001330691.3(CEP78):c.341G>A (p.Gly114Asp)

Gene: CEP78 (centrosomal protein 78; plus strand). Cytogenetic location: 9q21.2.
Variant type: single nucleotide variant.
Coding change: c.341G>A on transcript NM_001330691.3 (MANE Select); coding-DNA position 341, G replaced by A.
Protein change: p.Gly114Asp; replaces glycine 114 with aspartic acid.
Molecular consequence: missense variant.
Genome position (GRCh38, 1-based): chr9:78,240,110, G>A. VCF-style: chr9-78240110-G-A. GRCh37 (hg19) VCF-style: chr9-80855026-G-A.
Other names: c.341G>A, p.Gly114Asp (NM_001098802.3, NM_001330693.3, NM_001330694.2 and 4 more transcripts); short protein forms G114D.
Identifiers: ClinVar variation 2079644 (VCV002079644.21), dbSNP rs776895025, ClinGen allele CA373999779.
Genomic context (GRCh38, chr9:78,240,110, plus strand): 5'-GTCGTGTTCCTGCGATAAGATACAAAGATGTGACCTTCCAGTTGTGTAAAGCTCTTAAAG[G>A]CTGTTTAAGTATATCAAGTGTGCTAAAGAACCTGGAGCTAAATGGACTAATTCTGAGAGA-3'
Protein context (NP_001317620.1, residues 104-124): VTFQLCKALK[Gly114Asp]CLSISSVLKN

ClinVar aggregate classification (germline): Uncertain significance. Review status: criteria provided, multiple submitters, no conflicts (2 of 4 stars). 3 submissions from 3 submitters: Uncertain significance (3). Last evaluated 2024-05-01.

Conditions:
Inborn genetic diseases. Identifiers: MedGen C0950123, MeSH D030342.

Allele frequency attached by ClinVar (database versions not stated): gnomAD 0.00001.
gnomAD v4.1: 6 of 1,585,386 alleles (0.00038%); highest among the groups gnomAD compares: African/African-American, 0.0028%; no homozygotes.

Submissions (3):

CeGaT Center for Human Genetics Tuebingen
Classification: Uncertain significance. Last evaluated: 2024-05-01. Review status: criteria provided, single submitter. Criteria: CeGaT Center For Human Genetics Tuebingen Variant Classification Criteria Version 2. Collection method: clinical testing. Allele origin: germline. Affected: yes. Observed: 1 variant allele.
Comment: CEP78: PM2, BP4

Labcorp Genetics (formerly Invitae), Labcorp
Classification: Uncertain significance. Last evaluated: 2022-08-16. Review status: criteria provided, single submitter. Criteria: Invitae Variant Classification Sherloc (09022015). Collection method: clinical testing. Allele origin: germline.
Comment: This sequence change replaces glycine, which is neutral and non-polar, with aspartic acid, which is acidic and polar, at codon 114 of the CEP78 protein (p.Gly114Asp). This variant is not present in population databases (gnomAD no frequency). This variant has not been reported in the literature in individuals affected with CEP78-related conditions. Algorithms developed to predict the effect of missense changes on protein structure and function are either unavailable or do not agree on the potential impact of this missense change (SIFT: "Tolerated"; PolyPhen-2: "Probably Damaging"; Align-GVGD: "Class C0"). In summary, the available evidence is currently insufficient to determine the role of this variant in disease. Therefore, it has been classified as a Variant of Uncertain Significance.

Ambry Genetics
Classification: Uncertain significance for Inborn genetic diseases. Last evaluated: 2022-01-10. Review status: criteria provided, single submitter. Criteria: Ambry Variant Classification Scheme 2023. Collection method: clinical testing. Allele origin: germline.